The following is an entry in ClinVar:

NM_001127198.5(TMC6):c.1442T>A (p.Leu481His)

Gene: TMC6 (transmembrane channel like 6; minus strand). Cytogenetic location: 17q25.3.
Variant type: single nucleotide variant.
Coding change: c.1442T>A on transcript NM_001127198.5 (MANE Select); coding-DNA position 1442, T replaced by A.
Protein change: p.Leu481His; replaces leucine 481 with histidine.
Molecular consequence: missense variant. On other transcripts: non-coding transcript variant (4).
Genome position (GRCh38, 1-based): chr17:78,121,106, A>T on the plus strand (T>A on the coding strand, the complement: TMC6 is on the minus strand). VCF-style: chr17-78121106-A-T. GRCh37 (hg19) VCF-style: chr17-76117187-A-T.
Other names: c.1442T>A, p.Leu481His (NM_001321185.1, NM_001374593.1, NM_001374594.1 and 4 more transcripts); short protein forms L481H.
Identifiers: ClinVar variation 4803493 (VCV004803493.1).

ClinVar aggregate classification (germline): Uncertain significance (1 of 4 stars; one submission).

Conditions:
Epidermodysplasia verruciformis. Identifiers: Orphanet 302, MedGen C0014522, MONDO:0009176.

Submission:

Labcorp Genetics (formerly Invitae), Labcorp
Classification: Uncertain significance for Epidermodysplasia verruciformis. Last evaluated: 2025-03-18. Review status: criteria provided, single submitter. Criteria: Invitae Variant Classification Sherloc (09022015). Collection method: clinical testing. Allele origin: germline.
Comment: This sequence change replaces leucine, which is neutral and non-polar, with histidine, which is basic and polar, at codon 481 of the TMC6 protein (p.Leu481His). This variant is not present in population databases (gnomAD no frequency). This variant has not been reported in the literature in individuals affected with TMC6-related conditions. An algorithm developed to predict the effect of missense changes on protein structure and function (PolyPhen-2) suggests that this variant is likely to be disruptive. In summary, the available evidence is currently insufficient to determine the role of this variant in disease. Therefore, it has been classified as a Variant of Uncertain Significance.